The following is an entry in ClinVar:

NM_001135146.2(SLC39A8):c.2T>A (p.Met1Lys)

Genes: SLC39A8 (solute carrier family 39 member 8; minus strand), LOC129992876 (ATAC-STARR-seq lymphoblastoid silent region 15595; plus strand). Cytogenetic location: 4q24.
Variant type: single nucleotide variant.
Coding change: c.2T>A on transcript NM_001135146.2 (MANE Select); coding-DNA position 2, T replaced by A.
Protein change: p.Met1Lys; changes the start codon (methionine 1).
Molecular consequence: missense variant, initiator codon variant.
Genome position (GRCh38, 1-based): chr4:102,344,661, A>T on the plus strand (T>A on the coding strand, the complement: SLC39A8 is on the minus strand). VCF-style: chr4-102344661-A-T. GRCh37 (hg19) VCF-style: chr4-103265818-A-T.
Other names: c.2T>A, p.Met1Lys (NM_001135147.1, NM_022154.5); short protein forms M1K.
Identifiers: ClinVar variation 4719761 (VCV004719761.1).

ClinVar aggregate classification (germline): Uncertain significance (1 of 4 stars; one submission).

Submission:

Labcorp Genetics (formerly Invitae), Labcorp
Classification: Uncertain significance. Last evaluated: 2025-06-18. Review status: criteria provided, single submitter. Criteria: Invitae Variant Classification Sherloc (09022015). Collection method: clinical testing. Allele origin: germline.
Comment: This sequence change affects the initiator codon of the SLC39A8 mRNA. This change may impact translation initiation or efficiency. The next in-frame methionine is located at codon 55. This variant is not present in population databases (gnomAD no frequency). This variant has not been reported in the literature in individuals affected with SLC39A8-related conditions. Experimental studies and prediction algorithms are not available or were not evaluated, and the functional significance of this variant is currently unknown. In summary, the available evidence is currently insufficient to determine the role of this variant in disease. Therefore, it has been classified as a Variant of Uncertain Significance.